The following is an entry in ClinVar:

NM_003705.5(SLC25A12):c.66+3A>G

Gene: SLC25A12 (solute carrier family 25 member 12; minus strand). Cytogenetic location: 2q31.1.
Variant type: single nucleotide variant.
Coding change: c.66+3A>G on transcript NM_003705.5 (MANE Select); 3 bases into the intron after coding-DNA position 66, A replaced by G.
Molecular consequence: intron variant.
Genome position (GRCh38, 1-based): chr2:171,893,202, T>C on the plus strand (A>G on the coding strand, the complement: SLC25A12 is on the minus strand). VCF-style: chr2-171893202-T-C. GRCh37 (hg19) VCF-style: chr2-172749712-T-C.
Identifiers: ClinVar variation 961528 (VCV000961528.7), dbSNP rs1685982729, ClinGen allele CA1139657360.

ClinVar aggregate classification (germline): Uncertain significance (1 of 4 stars; one submission).

Submission:

Labcorp Genetics (formerly Invitae), Labcorp
Classification: Uncertain significance. Last evaluated: 2019-10-15. Review status: criteria provided, single submitter. Criteria: Invitae Variant Classification Sherloc (09022015). Collection method: clinical testing. Allele origin: germline.
Comment: This sequence change falls in intron 2 of the SLC25A12 gene. It does not directly change the encoded amino acid sequence of the SLC25A12 protein, but it affects a nucleotide within the consensus splice site of the intron. This variant is not present in population databases (ExAC no frequency). This variant has not been reported in the literature in individuals with SLC25A12-related conditions. Nucleotide substitutions within the consensus splice site are a relatively common cause of aberrant splicing (PMID: 17576681, 9536098). Algorithms developed to predict the effect of sequence changes on RNA splicing suggest that this variant may disrupt the consensus splice site, but this prediction has not been confirmed by published transcriptional studies. In summary, the available evidence is currently insufficient to determine the role of this variant in disease. Therefore, it has been classified as a Variant of Uncertain Significance.

Literature cited by the submitters: PubMed 17576681; PubMed 9536098.